The following is an entry in ClinVar:

NM_000384.3(APOB):c.1710A>T (p.Ser570=)

Gene: APOB (apolipoprotein B; minus strand). Cytogenetic location: 2p24.1.
Variant type: single nucleotide variant.
Coding change: c.1710A>T on transcript NM_000384.3 (MANE Select); coding-DNA position 1710, A replaced by T.
Protein change: p.Ser570=; no amino-acid change (serine 570 retained).
Molecular consequence: synonymous variant.
Genome position (GRCh38, 1-based): chr2:21,028,446, T>A on the plus strand (A>T on the coding strand, the complement: APOB is on the minus strand). VCF-style: chr2-21028446-T-A. GRCh37 (hg19) VCF-style: chr2-21251318-T-A.
Identifiers: ClinVar variation 924268 (VCV000924268.16), dbSNP rs777247556, ClinGen allele CA054459.
Genomic context (GRCh38, chr2:21,028,446, plus strand): 5'-CTTCACTTGCTCATTCTGTTCCCATGGTAGAATTTGGACAATTTTGTTAATATCTGCCTG[T>A]GAAGGACTCCTCATCAACATAAGATAGGCAGCCAGTCGCTTATCTCCCGGAGAAGCATCA-3'
Protein context (NP_000375.3, residues 560-580): AAYLMLMRSP[Ser570=]QADINKIVQI

ClinVar aggregate classification (germline): Likely benign. Review status: criteria provided, multiple submitters, no conflicts (2 of 4 stars). 3 submissions from 3 submitters: Likely benign (3). Last evaluated 2025-10-01.

Conditions:
Cardiovascular phenotype. Identifiers: MedGen CN230736.
Familial hypobetalipoproteinemia 1. Also called: Hypobetalipoproteinemia, normotriglyceridemic; Acanthocytosis with hypobetalipoproteinemia; APOB-Related Familial Hypobetalipoproteinemia. Identifiers: MedGen C4551990, MONDO:0014252, OMIM 615558.
Hypercholesterolemia, autosomal dominant, type B (FHCL2). Also called: Familial Hypercholesterolemia Type B; HYPERCHOLESTEROLEMIA, FAMILIAL, DUE TO LIGAND-DEFECTIVE APOLIPOPROTEIN B; Familial hypercholesterolemia 2; APOB-Related Familial Hypercholesterolemia, Autosomal Dominant; APOLIPOPROTEIN B-100, FAMILIAL DEFECTIVE; APOLIPOPROTEIN B-100, FAMILIAL LIGAND-DEFECTIVE. Identifiers: MedGen C1704417, MONDO:0007751, OMIM 144010.
Familial hypercholesterolemia. Also called: Familial hypercholesterolemias; Familial hypercholesterolaemia. Identifiers: MedGen C0020445, MONDO:0005439.

Allele frequency attached by ClinVar (database versions not stated): ExAC 0.00001; gnomAD exomes 0.00002; TOPMed 0.00003; gnomAD 0.00004.
gnomAD v4.1: 36 of 1,613,910 alleles (0.0022%); highest among the groups gnomAD compares: Non-Finnish European, 0.003%; no homozygotes.

Submissions (3):

Labcorp Genetics (formerly Invitae), Labcorp
Classification: Likely benign for Familial hypobetalipoproteinemia 1; Hypercholesterolemia, autosomal dominant, type B. Last evaluated: 2025-10-01. Review status: criteria provided, single submitter. Criteria: Invitae Variant Classification Sherloc (09022015). Collection method: clinical testing. Allele origin: germline.

GENinCode PLC
Classification: Likely benign for Familial hypercholesterolemia. Last evaluated: 2023-10-06. Review status: criteria provided, single submitter. Criteria: ACMG Guidelines, 2015. Collection method: clinical testing. Allele origin: germline.
Comment: This is a synonymous (silent) variant that is not predicted by SpliceAI to impact splicing. In addition, it occurs at a nucleotide that is not conserved. Therefore this variant has been classified as Likely Benign (BP4, BP7).

Ambry Genetics
Classification: Likely benign for Cardiovascular phenotype. Last evaluated: 2019-10-20. Review status: criteria provided, single submitter. Criteria: Ambry Variant Classification Scheme 2023. Collection method: clinical testing. Allele origin: germline.